The following is an entry in ClinVar:

ClinVar aggregate classification (germline): Conflicting classifications of pathogenicity. Review status: criteria provided, conflicting classifications (1 of 4 stars). 2 submissions from 2 submitters: Uncertain significance (1); Likely benign (1). Last evaluated 2024-02-05.

Allele frequency attached by ClinVar (database versions not stated): ExAC 0.00034; ESP Exome Variant Server 0.00338.

Submissions (2):

Ambry Genetics
Classification: Uncertain significance. Last evaluated: 2024-02-05. Review status: criteria provided, single submitter. Criteria: Ambry Variant Classification Scheme 2023. Collection method: clinical testing. Allele origin: germline.

CeGaT Center for Human Genetics Tuebingen
Classification: Likely benign. Last evaluated: 2023-02-01. Review status: criteria provided, single submitter. Criteria: CeGaT Center For Human Genetics Tuebingen Variant Classification Criteria Version 2. Collection method: clinical testing. Allele origin: germline. Affected: yes. Observed: 1 variant allele.
Comment: VCX3A: BP4, BS2

NM_016379.4(VCX3A):c.355G>C (p.Glu119Gln)

Genes: VCX3A (variable charge X-linked 3A; minus strand), LOC106029240 (S232-VCX3A recombination region; plus strand). Cytogenetic location: Xp22.31.
Variant type: single nucleotide variant.
Coding change: c.355G>C on transcript NM_016379.4 (MANE Select); coding-DNA position 355, G replaced by C.
Protein change: p.Glu119Gln; replaces glutamic acid 119 with glutamine.
Molecular consequence: missense variant.
Genome position (GRCh38, 1-based): chrX:6,533,951, C>G on the plus strand (G>C on the coding strand, the complement: VCX3A is on the minus strand). VCF-style: chrX-6533951-C-G. GRCh37 (hg19) VCF-style: chrX-6451992-C-G.
Other names: short protein forms E119Q.
Identifiers: ClinVar variation 2220062 (VCV002220062.26), dbSNP rs200810334, ClinGen allele CA10341594.